The following is an entry in ClinVar:

ClinVar aggregate classification (germline): Benign/Likely benign. Review status: criteria provided, multiple submitters, no conflicts (2 of 4 stars). 4 submissions from 4 submitters: Benign (1); Likely benign (2). 1 of the submissions does not count toward it. Last evaluated 2026-01-17.

Conditions:
Hereditary fructosuria. Also called: Hereditary fructose intolerance; Fructose intolerance; ALDOB DEFICIENCY; ALDOLASE B DEFICIENCY; FRUCTOSE-1,6-BISPHOSPHATE ALDOLASE B DEFICIENCY; FRUCTOSE-1-PHOSPHATE ALDOLASE DEFICIENCY. Identifiers: Orphanet 469, MedGen C0016751, MONDO:0009249, OMIM 229600, HP:0005973. Disease mechanism: loss of function.

Allele frequency attached by ClinVar (database versions not stated): 1000 Genomes Project 0.00020; 1000 Genomes Project 30x 0.00031; ExAC 0.00016; gnomAD exomes 0.00018; ESP Exome Variant Server 0.00046; gnomAD 0.00048 and 0.00051; TOPMed 0.00069.
gnomAD v4.1: 147 of 1,613,986 alleles (0.0091%); highest among the groups gnomAD compares: African/African-American, 0.16%; no homozygotes.

Submissions (4):

Labcorp Genetics (formerly Invitae), Labcorp
Classification: Benign for Hereditary fructosuria. Last evaluated: 2026-01-17. Review status: criteria provided, single submitter. Criteria: Invitae Variant Classification Sherloc (09022015). Collection method: clinical testing. Allele origin: germline.

Mayo Clinic Laboratories, Mayo Clinic
Classification: Likely benign. Last evaluated: 2025-02-14. Review status: criteria provided, single submitter. Criteria: ACMG Guidelines, 2015. Collection method: clinical testing. Allele origin: germline. Observed: 1 variant allele.
Comment: BP7

GeneDx
Classification: Likely benign. Last evaluated: 2018-05-15. Review status: criteria provided, single submitter. Criteria: GeneDx Variant Classification Process June 2021. Collection method: clinical testing. Allele origin: germline. Affected: yes.

Counsyl
Classification: Likely benign for Hereditary fructosuria. Last evaluated: 2017-01-16. Review status: no assertion criteria provided. Collection method: clinical testing. Allele origin: unknown. Not counted in ClinVar's aggregate classification.

NM_000035.4(ALDOB):c.799+11C>T

Gene: ALDOB (aldolase, fructose-bisphosphate B; minus strand). Cytogenetic location: 9q31.1.
Variant type: single nucleotide variant.
Coding change: c.799+11C>T on transcript NM_000035.4 (MANE Select); 11 bases into the intron after coding-DNA position 799, C replaced by T.
Molecular consequence: intron variant.
Genome position (GRCh38, 1-based): chr9:101,425,442, G>A on the plus strand (C>T on the coding strand, the complement: ALDOB is on the minus strand). VCF-style: chr9-101425442-G-A. GRCh37 (hg19) VCF-style: chr9-104187724-G-A.
Other names: p.?; c.799+11C>T (LRG_1244t1).
Identifiers: ClinVar variation 384999 (VCV000384999.10), dbSNP rs182245025, ClinGen allele CA5161473.